The following is an entry in ClinVar:

NM_001690.4(ATP6V1A):c.1391A>G (p.Tyr464Cys)

Gene: ATP6V1A (ATPase H+ transporting V1 subunit A; plus strand). Cytogenetic location: 3q13.31.
Variant type: single nucleotide variant.
Coding change: c.1391A>G on transcript NM_001690.4 (MANE Select); coding-DNA position 1391, A replaced by G.
Protein change: p.Tyr464Cys; replaces tyrosine 464 with cysteine.
Molecular consequence: missense variant.
Genome position (GRCh38, 1-based): chr3:113,798,343, A>G. VCF-style: chr3-113798343-A-G. GRCh37 (hg19) VCF-style: chr3-113517190-A-G.
Other names: short protein forms Y464C.
Identifiers: ClinVar variation 4692345 (VCV004692345.1).

ClinVar aggregate classification (germline): Uncertain significance (1 of 4 stars; one submission).

gnomAD v4.1: 9 of 1,614,020 alleles (0.00056%); highest among the groups gnomAD compares: Non-Finnish European, 0.00076%; no homozygotes.

Submission:

Labcorp Genetics (formerly Invitae), Labcorp
Classification: Uncertain significance. Last evaluated: 2025-03-13. Review status: criteria provided, single submitter. Criteria: Invitae Variant Classification Sherloc (09022015). Collection method: clinical testing. Allele origin: germline.
Comment: This sequence change replaces tyrosine, which is neutral and polar, with cysteine, which is neutral and slightly polar, at codon 464 of the ATP6V1A protein (p.Tyr464Cys). This variant is not present in population databases (gnomAD no frequency). This variant has not been reported in the literature in individuals affected with ATP6V1A-related conditions. Invitae Evidence Modeling of protein sequence and biophysical properties (such as structural, functional, and spatial information, amino acid conservation, physicochemical variation, residue mobility, and thermodynamic stability) indicates that this missense variant is not expected to disrupt ATP6V1A protein function with a negative predictive value of 80%. In summary, the available evidence is currently insufficient to determine the role of this variant in disease. Therefore, it has been classified as a Variant of Uncertain Significance.